The following is an entry in ClinVar:

ClinVar aggregate classification (germline): Uncertain significance (1 of 4 stars; one submission).

Conditions:
Developmental and epileptic encephalopathy, 37 (DEE37). Also called: Epileptic encephalopathy, early infantile, 37. Identifiers: MedGen C4310770, MONDO:0014859, OMIM 616981.

Allele frequency attached by ClinVar (database versions not stated): gnomAD 0.00001; gnomAD exomes 0.00001; TOPMed 0.00001.
gnomAD v4.1: 30 of 1,376,592 alleles (0.0022%); highest among the groups gnomAD compares: Non-Finnish European, 0.0027%; no homozygotes.

Submission:

Labcorp Genetics (formerly Invitae), Labcorp
Classification: Uncertain significance for Developmental and epileptic encephalopathy, 37. Last evaluated: 2022-10-18. Review status: criteria provided, single submitter. Criteria: Invitae Variant Classification Sherloc (09022015). Collection method: clinical testing. Allele origin: germline.
Comment: This sequence change replaces glycine, which is neutral and non-polar, with alanine, which is neutral and non-polar, at codon 119 of the FRRS1L protein (p.Gly119Ala). This variant is present in population databases (no rsID available, gnomAD 0.004%). This variant has not been reported in the literature in individuals affected with FRRS1L-related conditions. ClinVar contains an entry for this variant (Variation ID: 1044961). Algorithms developed to predict the effect of missense changes on protein structure and function (SIFT, PolyPhen-2, Align-GVGD) all suggest that this variant is likely to be tolerated. In summary, the available evidence is currently insufficient to determine the role of this variant in disease. Therefore, it has been classified as a Variant of Uncertain Significance.

NM_014334.4(FRRS1L):c.203G>C (p.Gly68Ala)

Gene: FRRS1L (ferric chelate reductase 1 like; minus strand). Cytogenetic location: 9q31.3.
Variant type: single nucleotide variant.
Coding change: c.203G>C on transcript NM_014334.4 (MANE Select); coding-DNA position 203, G replaced by C.
Protein change: p.Gly68Ala; replaces glycine 68 with alanine.
Molecular consequence: missense variant.
Genome position (GRCh38, 1-based): chr9:109,166,936, C>G on the plus strand (G>C on the coding strand, the complement: FRRS1L is on the minus strand). VCF-style: chr9-109166936-C-G. GRCh37 (hg19) VCF-style: chr9-111929216-C-G.
Other names: short protein forms G68A.
Identifiers: ClinVar variation 1044961 (VCV001044961.6), dbSNP rs1478276048, ClinGen allele CA374430290.
Genomic context (GRCh38, chr9:109,166,936, plus strand): 5'-ACCCCTCGCCCTCCCGCAGCCTCACCCTCCTCCGACAGGTAGCGCAGGTCGTAGAACTCC[C>G]CCGCGAAGGTGCCGTAGGAGGAGTCGTGGCGCGGCACCGCCTCGTCGGCGCCCGTGTCCC-3'
Protein context (NP_055149.3, residues 58-78): RHDSSYGTFA[Gly68Ala]EFYDLRYLSE